The following is an entry in ClinVar:

NM_002047.4(GARS1):c.1359+2dup

Gene: GARS1 (glycyl-tRNA synthetase 1; plus strand). Cytogenetic location: 7p14.3.
Variant type: Duplication.
Coding change: c.1359+2dup on transcript NM_002047.4 (MANE Select); the canonical splice donor site of the intron after coding-DNA position 1359, one base duplicated (T; older notation c.1359+2dupT).
Molecular consequence: splice donor variant.
Genome position (GRCh38, 1-based): chr7:30,617,280, T duplicated. VCF-style (leftmost placement, unchanged base first): chr7-30617279-G-GT. GRCh37 (hg19) VCF-style: chr7-30656895-G-GT.
Other names: c.1197+2dup (NM_001316772.1).
Identifiers: ClinVar variation 3029561 (VCV003029561.2), dbSNP rs2534314042, ClinGen allele CA2740097333.

ClinVar aggregate classification (germline): Uncertain significance (0 of 4 stars; one submission).

Conditions:
GARS1-related disorder. Also called: GARS1-related condition.

Submission:

PreventionGenetics, part of Exact Sciences
Classification: Uncertain significance for GARS1-related condition. Last evaluated: 2023-12-14. Review status: no assertion criteria provided. Collection method: clinical testing. Allele origin: germline.
Comment: The GARS1 c.1359+2dupT variant is predicted to result in an intronic duplication. To our knowledge, this variant has not been reported in the literature or in a large population database, indicating this variant is rare. Variants predicted to disrupt canonical splice sites in GARS1 have been reported in individuals with Charcot-Marie-Tooth disease phenotypes (see, for example, Volodarsky et al. 2021. PubMed ID: 32376792; DiVincenzo et al. 2014. PubMed ID: 25614874). However, disruption of this canonical splice donor site resulting in exclusion of exon 10 of GARS1 is predicted to result in an in-frame deletion (Alamut Visual Plus v.1.6.1). Although we suspect that this variant could be pathogenic, at this time, the clinical significance of this variant is uncertain due to the absence of conclusive functional and genetic evidence.